The following is an entry in ClinVar:

NM_006206.6(PDGFRA):c.198C>A (p.Ser66Arg)

Gene: PDGFRA (platelet derived growth factor receptor alpha; plus strand). Cytogenetic location: 4q12.
Variant type: single nucleotide variant.
Coding change: c.198C>A on transcript NM_006206.6 (MANE Select); coding-DNA position 198, C replaced by A.
Protein change: p.Ser66Arg; replaces serine 66 with arginine.
Molecular consequence: missense variant.
Genome position (GRCh38, 1-based): chr4:54,261,243, C>A. VCF-style: chr4-54261243-C-A. GRCh37 (hg19) VCF-style: chr4-55127410-C-A.
Other names: c.198C>A, p.Ser66Arg (NM_001347827.2, NM_001347829.2); c.273C>A, p.Ser91Arg (NM_001347828.2); c.237C>A, p.Ser79Arg (NM_001347830.2); short protein forms S66R, S79R, S91R.
Identifiers: ClinVar variation 2807740 (VCV002807740.3), dbSNP rs1722688940, ClinGen allele CA356888472.

ClinVar aggregate classification (germline): Uncertain significance (1 of 4 stars; one submission).

Conditions:
Gastrointestinal stromal tumor. Also called: Gastrointestinal stromal tumor, somatic; Gastrointestinal stroma tumor. Identifiers: Orphanet 44890, MedGen C0238198, MeSH D046152, MONDO:0011719, OMIM 606764, HP:0100723.

Submission:

Labcorp Genetics (formerly Invitae), Labcorp
Classification: Uncertain significance for Gastrointestinal stromal tumor. Last evaluated: 2024-11-21. Review status: criteria provided, single submitter. Criteria: Invitae Variant Classification Sherloc (09022015). Collection method: clinical testing. Allele origin: germline.
Comment: This sequence change replaces serine, which is neutral and polar, with arginine, which is basic and polar, at codon 66 of the PDGFRA protein (p.Ser66Arg). This variant is not present in population databases (gnomAD no frequency). This variant has not been reported in the literature in individuals affected with PDGFRA-related conditions. ClinVar contains an entry for this variant (Variation ID: 2807740). Invitae Evidence Modeling of protein sequence and biophysical properties (such as structural, functional, and spatial information, amino acid conservation, physicochemical variation, residue mobility, and thermodynamic stability) indicates that this missense variant is not expected to disrupt PDGFRA protein function with a negative predictive value of 80%. In summary, the available evidence is currently insufficient to determine the role of this variant in disease. Therefore, it has been classified as a Variant of Uncertain Significance.